The following is an entry in ClinVar:

ClinVar aggregate classification (germline): Likely benign. Review status: criteria provided, multiple submitters, no conflicts (2 of 4 stars). 3 submissions from 3 submitters: Likely benign (2). 1 of the submissions does not count toward it. Last evaluated 2024-04-10.

Conditions:
SIPA1L3-related disorder. Also called: SIPA1L3-related condition.

Allele frequency attached by ClinVar (database versions not stated): gnomAD 0.00013; TOPMed 0.00021; 1000 Genomes Project 0.00040; 1000 Genomes Project 30x 0.00047.
gnomAD v4.1: 82 of 1,612,620 alleles (0.0051%); highest among the groups gnomAD compares: Admixed American, 0.058%; no homozygotes.

Submissions (3):

Blueprint Genetics
Classification: Likely benign. Last evaluated: 2024-04-10. Review status: criteria provided, single submitter. Criteria: ACMG Guidelines, 2015. Collection method: clinical testing. Allele origin: germline.

Labcorp Genetics (formerly Invitae), Labcorp
Classification: Likely benign. Last evaluated: 2022-12-31. Review status: criteria provided, single submitter. Criteria: Invitae Variant Classification Sherloc (09022015). Collection method: clinical testing. Allele origin: germline.

PreventionGenetics, part of Exact Sciences
Classification: Likely benign for SIPA1L3-related condition. Last evaluated: 2019-07-01. Review status: no assertion criteria provided. Collection method: clinical testing. Allele origin: germline. Not counted in ClinVar's aggregate classification.
Comment: This variant is classified as likely benign based on ACMG/AMP sequence variant interpretation guidelines (Richards et al. 2015 PMID: 25741868, with internal and published modifications).

NM_015073.3(SIPA1L3):c.2892G>A (p.Thr964=)

Gene: SIPA1L3 (signal induced proliferation associated 1 like 3; plus strand). Cytogenetic location: 19q13.13.
Variant type: single nucleotide variant.
Coding change: c.2892G>A on transcript NM_015073.3 (MANE Select); coding-DNA position 2892, G replaced by A.
Protein change: p.Thr964=; no amino-acid change (threonine 964 retained).
Molecular consequence: synonymous variant.
Genome position (GRCh38, 1-based): chr19:38,130,521, G>A. VCF-style: chr19-38130521-G-A. GRCh37 (hg19) VCF-style: chr19-38621161-G-A.
Other names: c.2892G>A (NM_015073.2).
Identifiers: ClinVar variation 2896633 (VCV002896633.6), dbSNP rs528673872, ClinGen allele CA9409822.
Genomic context (GRCh38, chr19:38,130,521, plus strand): 5'-GCAGCTTCTGAGGCTCGATCCTGCCTGTGGCCTGCAGGTGATGACCAGTGGCTGGGAGAC[G>A]GTGGACATGACGCTTCGGCGGAACGGGCTCGGGCAGCTGGGCTTCCACGTGAAGTACGAC-3'
Protein context (NP_055888.1, residues 954-974): RLKVMTSGWE[Thr964=]VDMTLRRNGL